The following is an entry in ClinVar:

ClinVar aggregate classification (germline): Pathogenic/Likely pathogenic. Review status: criteria provided, multiple submitters, no conflicts (2 of 4 stars). 2 submissions from 2 submitters: Pathogenic (1); Likely pathogenic (1). Last evaluated 2025-11-16.

Conditions:
Muscular dystrophy-dystroglycanopathy (congenital with brain and eye anomalies), type a, 8 (MDDGA8). Also called: WALKER-WARBURG SYNDROME OR MUSCLE-EYE-BRAIN DISEASE, GTDC2-RELATED. Identifiers: Orphanet 899, MedGen C3553813, MONDO:0013904, OMIM 614830.

Allele frequency attached by ClinVar (database versions not stated): TOPMed 0.00001; gnomAD 0.00002; ESP Exome Variant Server 0.00008; gnomAD exomes 0.00001 and below 0.00001; ExAC 0.00001.

Submissions (2):

GeneDx
Classification: Likely pathogenic. Last evaluated: 2025-11-16. Review status: criteria provided, single submitter. Criteria: GeneDx Variant Classification Process June 2021. Collection method: clinical testing. Allele origin: germline.
Comment: Frameshift variant predicted to result in abnormal protein length as the last 170 amino acids are replaced with 54 different amino acids, and other similar variants have been reported in HGMD; Not observed at significant frequency in large population cohorts (gnomAD); Has not been previously published as pathogenic or benign to our knowledge; This variant is associated with the following publications: (PMID: 22958903)

Labcorp Genetics (formerly Invitae), Labcorp
Classification: Pathogenic for Muscular dystrophy-dystroglycanopathy (congenital with brain and eye anomalies), type a, 8. Last evaluated: 2025-10-20. Review status: criteria provided, single submitter. Criteria: Invitae Variant Classification Sherloc (09022015). Collection method: clinical testing. Allele origin: germline.
Comment: This sequence change creates a premature translational stop signal (p.Gln411Argfs*55) in the POMGNT2 gene. While this is not anticipated to result in nonsense mediated decay, it is expected to disrupt the last 170 amino acid(s) of the POMGNT2 protein. This variant is present in population databases (rs755487513, gnomAD 0.0009%). This premature translational stop signal has been observed in individual(s) with clinical features of Walker-Warburg syndrome (internal data). ClinVar contains an entry for this variant (Variation ID: 570608). This variant disrupts a region of the POMGNT2 protein in which other variant(s) (p.Glu519*) have been determined to be pathogenic (internal data). This suggests that this is a clinically significant region of the protein, and that variants that disrupt it are likely to be disease-causing. For these reasons, this variant has been classified as Pathogenic.

NM_032806.6(POMGNT2):c.1232del (p.Gln411fs)

Gene: POMGNT2 (protein O-linked mannose N-acetylglucosaminyltransferase 2 (beta 1,4-); minus strand). Cytogenetic location: 3p22.1.
Variant type: Deletion.
Coding change: c.1232del on transcript NM_032806.6 (MANE Select); coding-DNA position 1232, one base deleted (A; older notation c.1232delA).
Protein change: p.Gln411fs; shifts the reading frame from glutamine 411.
Molecular consequence: frameshift variant.
Genome position (GRCh38, 1-based): chr3:43,080,200, T deleted on the plus strand (A on the coding strand, the reverse complement: POMGNT2 is on the minus strand). VCF-style (leftmost placement, unchanged base first): chr3-43080199-CT-C. GRCh37 (hg19) VCF-style: chr3-43121691-CT-C.
Other names: c.1232del (NM_032806.5); c.1232delA (NM_032806.5); short protein forms Q411fs.
Identifiers: ClinVar variation 570608 (VCV000570608.10), dbSNP rs755487513, ClinGen allele CA2339901.
Genomic context (GRCh38, chr3:43,080,199, plus strand): 5'-GACCTCACGGCTTTGCAGGATACGGGCTTGCTCAGCCCGGTCCAGATGGGTGATGCCCCC[CT>C]GATCCCAGGGCCGCTCAGGGTGTGTGACTGTGTTCTCTGGCATCATGTTCCGCCAGGCTA-3'